The following is an entry in ClinVar:

NM_181426.2(CCDC39):c.2371G>A (p.Glu791Lys)

Genes: CCDC39 (coiled-coil domain 39 molecular ruler complex subunit; minus strand), TTC14 (tetratricopeptide repeat domain 14; plus strand). Cytogenetic location: 3q26.33.
Variant type: single nucleotide variant.
Coding change: c.2371G>A on transcript NM_181426.2 (MANE Select); coding-DNA position 2371, G replaced by A.
Protein change: p.Glu791Lys; replaces glutamic acid 791 with lysine.
Molecular consequence: missense variant. On other transcripts: intron variant (1).
Genome position (GRCh38, 1-based): chr3:180,616,861, C>T on the plus strand (G>A on the coding strand, the complement: CCDC39 is on the minus strand). VCF-style: chr3-180616861-C-T. GRCh37 (hg19) VCF-style: chr3-180334649-C-T.
Other names: c.1775-519C>T (NM_001288582.2); short protein forms E791K.
Identifiers: ClinVar variation 647722 (VCV000647722.8), dbSNP rs1576930055, ClinGen allele CA355305578.

ClinVar aggregate classification (germline): Uncertain significance (1 of 4 stars; one submission).

Conditions:
Primary ciliary dyskinesia. Also called: Ciliary dyskinesia. Identifiers: Orphanet 244, MedGen C0008780, MONDO:0016575, HP:0012265.

Submission:

Labcorp Genetics (formerly Invitae), Labcorp
Classification: Uncertain significance for Primary ciliary dyskinesia. Last evaluated: 2018-08-25. Review status: criteria provided, single submitter. Criteria: Invitae Variant Classification Sherloc (09022015). Collection method: clinical testing. Allele origin: germline.
Comment: In summary, the available evidence is currently insufficient to determine the role of this variant in disease. Therefore, it has been classified as a Variant of Uncertain Significance. Algorithms developed to predict the effect of missense changes on protein structure and function (SIFT, PolyPhen-2, Align-GVGD) all suggest that this variant is likely to be tolerated, but these predictions have not been confirmed by published functional studies and their clinical significance is uncertain. This variant has not been reported in the literature in individuals with CCDC39-related disease. This variant is not present in population databases (ExAC no frequency). This sequence change replaces glutamic acid with lysine at codon 791 of the CCDC39 protein (p.Glu791Lys). The glutamic acid residue is weakly conserved and there is a small physicochemical difference between glutamic acid and lysine.